The following is an entry in ClinVar:

ClinVar aggregate classification (germline): Uncertain significance (1 of 4 stars; one submission).

Submission:

Women's Health and Genetics/Laboratory Corporation of America, LabCorp
Classification: Uncertain significance. Last evaluated: 2025-06-09. Review status: criteria provided, single submitter. Criteria: LabCorp Variant Classification Summary - May 2015. Collection method: clinical testing. Allele origin: germline.
Comment: Variant summary: ATM c.7590G>C (p.Lys2530Asn) results in a non-conservative amino acid change in the encoded protein sequence. Algorithms developed to predict the effect of missense changes on protein structure and function all suggest that this variant is likely to be disruptive. The variant was absent in 251308 control chromosomes. The available data on variant occurrences in the general population are insufficient to allow any conclusion about variant significance. To our knowledge, no occurrence of c.7590G>C in individuals affected with Breast Cancer and no experimental evidence demonstrating its impact on protein function have been reported. No submitters have cited clinical-significance assessments for this variant to ClinVar. Based on the evidence outlined above, the variant was classified as uncertain significance.

NM_000051.4(ATM):c.7590G>C (p.Lys2530Asn)

Genes: ATM (ATM serine/threonine kinase; plus strand), C11orf65 (chromosome 11 open reading frame 65; minus strand). Cytogenetic location: 11q22.3.
Variant type: single nucleotide variant.
Coding change: c.7590G>C on transcript NM_000051.4 (MANE Select); coding-DNA position 7590, G replaced by C.
Protein change: p.Lys2530Asn; replaces lysine 2530 with asparagine.
Molecular consequence: missense variant. On other transcripts: non-coding transcript variant (1), intron variant (2).
Genome position (GRCh38, 1-based): chr11:108,331,518, G>C. VCF-style: chr11-108331518-G-C. GRCh37 (hg19) VCF-style: chr11-108202245-G-C.
Other names: c.7590G>C, p.Lys2530Asn (NM_001351834.2); c.641-22447C>G (NM_001330368.2); c.*38+3702C>G (NM_001351110.2); short protein forms K2530N.
Identifiers: ClinVar variation 3907308 (VCV003907308.1).